The following is an entry in ClinVar:

NM_000428.3(LTBP2):c.1034C>T (p.Thr345Met)

Gene: LTBP2 (latent transforming growth factor beta binding protein 2; minus strand). Cytogenetic location: 14q24.3.
Variant type: single nucleotide variant.
Coding change: c.1034C>T on transcript NM_000428.3 (MANE Select); coding-DNA position 1034, C replaced by T.
Protein change: p.Thr345Met; replaces threonine 345 with methionine.
Molecular consequence: missense variant.
Genome position (GRCh38, 1-based): chr14:74,553,050, G>A on the plus strand (C>T on the coding strand, the complement: LTBP2 is on the minus strand). VCF-style: chr14-74553050-G-A. GRCh37 (hg19) VCF-style: chr14-75019753-G-A.
Other names: short protein forms T345M.
Identifiers: ClinVar variation 2194051 (VCV002194051.2), dbSNP rs138297564, ClinGen allele CA7269997.

ClinVar aggregate classification (germline): Uncertain significance. Review status: criteria provided, multiple submitters, no conflicts (2 of 4 stars). 2 submissions from 2 submitters: Uncertain significance (2). Last evaluated 2022-01-11.

Allele frequency attached by ClinVar (database versions not stated): gnomAD 0.00005; TOPMed 0.00005; ESP Exome Variant Server 0.00015.
gnomAD v4.1: 37 of 1,614,024 alleles (0.0023%); highest among the groups gnomAD compares: Middle Eastern, 0.016%; no homozygotes.

Submissions (2):

Labcorp Genetics (formerly Invitae), Labcorp
Classification: Uncertain significance. Last evaluated: 2022-01-11. Review status: criteria provided, single submitter. Criteria: Invitae Variant Classification Sherloc (09022015). Collection method: clinical testing. Allele origin: germline.
Comment: This sequence change replaces threonine, which is neutral and polar, with methionine, which is neutral and non-polar, at codon 345 of the LTBP2 protein (p.Thr345Met). This variant is present in population databases (rs138297564, gnomAD 0.03%). This variant has not been reported in the literature in individuals affected with LTBP2-related conditions. Algorithms developed to predict the effect of missense changes on protein structure and function are either unavailable or do not agree on the potential impact of this missense change (SIFT: "Deleterious"; PolyPhen-2: "Probably Damaging"; Align-GVGD: "Class C0"). In summary, the available evidence is currently insufficient to determine the role of this variant in disease. Therefore, it has been classified as a Variant of Uncertain Significance.

Blueprint Genetics
Classification: Uncertain significance. Last evaluated: 2018-06-08. Review status: criteria provided, single submitter. Criteria: ACMG Guidelines, 2015. Collection method: clinical testing. Allele origin: germline.